The following is an entry in ClinVar:

ClinVar aggregate classification (germline): Likely benign. Review status: criteria provided, multiple submitters, no conflicts (2 of 4 stars). 4 submissions from 4 submitters: Likely benign (4). Last evaluated 2026-05-01.

Conditions:
Inborn genetic diseases. Identifiers: MedGen C0950123, MeSH D030342.

Allele frequency attached by ClinVar (database versions not stated): gnomAD exomes 0.00002; ExAC 0.00003; gnomAD 0.00004; TOPMed 0.00004; ESP Exome Variant Server 0.00008.
gnomAD v4.1: 39 of 1,614,052 alleles (0.0024%); highest among the groups gnomAD compares: Admixed American, 0.015%; no homozygotes.

Submissions (4):

CeGaT Center for Human Genetics Tuebingen
Classification: Likely benign. Last evaluated: 2026-05-01. Review status: criteria provided, single submitter. Criteria: CeGaT Center For Human Genetics Tuebingen Variant Classification Criteria Version 2. Collection method: clinical testing. Allele origin: germline. Affected: yes. Observed: 1 variant allele.
Comment: ASXL1: BP4, BP7

Labcorp Genetics (formerly Invitae), Labcorp
Classification: Likely benign. Last evaluated: 2026-01-02. Review status: criteria provided, single submitter. Criteria: Invitae Variant Classification Sherloc (09022015). Collection method: clinical testing. Allele origin: germline.

Women's Health and Genetics/Laboratory Corporation of America, LabCorp
Classification: Likely benign. Last evaluated: 2025-04-03. Review status: criteria provided, single submitter. Criteria: LabCorp Variant Classification Summary - May 2015. Collection method: clinical testing. Allele origin: germline.

Ambry Genetics
Classification: Likely benign for Inborn genetic diseases. Last evaluated: 2024-12-09. Review status: criteria provided, single submitter. Criteria: Ambry Variant Classification Scheme 2023. Collection method: clinical testing. Allele origin: germline.

Literature cited by the submitters: PubMed 22489043 (cited by Women's Health and Genetics/Laboratory Corporation of America, LabCorp); PubMed 24442206 (cited by Women's Health and Genetics/Laboratory Corporation of America, LabCorp); PubMed 24458439 (cited by Women's Health and Genetics/Laboratory Corporation of America, LabCorp); PubMed 25652455 (cited by Women's Health and Genetics/Laboratory Corporation of America, LabCorp); PubMed 24695057 (cited by Women's Health and Genetics/Laboratory Corporation of America, LabCorp); PubMed 23018865 (cited by Women's Health and Genetics/Laboratory Corporation of America, LabCorp); PubMed 21881046 (cited by Women's Health and Genetics/Laboratory Corporation of America, LabCorp); PubMed 23619563 (cited by Women's Health and Genetics/Laboratory Corporation of America, LabCorp); PubMed 20880116 (cited by Women's Health and Genetics/Laboratory Corporation of America, LabCorp); PubMed 23690417 (cited by Women's Health and Genetics/Laboratory Corporation of America, LabCorp); PubMed 22031865 (cited by Women's Health and Genetics/Laboratory Corporation of America, LabCorp); PubMed 25596267 (cited by Women's Health and Genetics/Laboratory Corporation of America, LabCorp); PubMed 22058207 (cited by Women's Health and Genetics/Laboratory Corporation of America, LabCorp); PubMed 24496303 (cited by Women's Health and Genetics/Laboratory Corporation of America, LabCorp); PubMed 21576631 (cited by Women's Health and Genetics/Laboratory Corporation of America, LabCorp); PubMed 24255920 (cited by Women's Health and Genetics/Laboratory Corporation of America, LabCorp); PubMed 27895058 (cited by Women's Health and Genetics/Laboratory Corporation of America, LabCorp); PubMed 27276561 (cited by Women's Health and Genetics/Laboratory Corporation of America, LabCorp).

NM_015338.6(ASXL1):c.1590G>A (p.Ala530=)

Gene: ASXL1 (ASXL transcriptional regulator 1; plus strand). Cytogenetic location: 20q11.21.
Variant type: single nucleotide variant.
Coding change: c.1590G>A on transcript NM_015338.6 (MANE Select); coding-DNA position 1590, G replaced by A.
Protein change: p.Ala530=; no amino-acid change (alanine 530 retained).
Molecular consequence: synonymous variant.
Genome position (GRCh38, 1-based): chr20:32,433,788, G>A. VCF-style: chr20-32433788-G-A. GRCh37 (hg19) VCF-style: chr20-31021591-G-A.
Other names: c.1407G>A, p.Ala469= (NM_001363734.1).
Identifiers: ClinVar variation 2966956 (VCV002966956.8), dbSNP rs150727649, ClinGen allele CA9808388.